The following is an entry in ClinVar:

ClinVar aggregate classification (germline): Uncertain significance (1 of 4 stars; one submission).

gnomAD v4.1: 1 of 1,551,834 alleles (0.000064%); highest among the groups gnomAD compares: Non-Finnish European, 0.000087%; no homozygotes.

Submission:

Laboratory for Molecular Medicine, Mass General Brigham Personalized Medicine
Classification: Uncertain significance. Last evaluated: 2017-04-20. Review status: criteria provided, single submitter. Criteria: LMM Criteria. Collection method: clinical testing. Allele origin: germline. Observed: 1 variant allele.
Comment: The p.Arg207Ser variant in LOXHD1 has not been previously reported in individual s with hearing loss or in large population studies. Computational prediction too ls and conservation analysis do not provide strong support for or against an imp act to the protein. In summary, the clinical significance of the p.Arg207Ser var iant is uncertain.

NM_001384474.1(LOXHD1):c.621G>C (p.Arg207Ser)

Gene: LOXHD1 (lipoxygenase homology PLAT domains 1; minus strand). Cytogenetic location: 18q21.1.
Variant type: single nucleotide variant.
Coding change: c.621G>C on transcript NM_001384474.1 (MANE Select); coding-DNA position 621, G replaced by C.
Protein change: p.Arg207Ser; replaces arginine 207 with serine.
Molecular consequence: missense variant.
Genome position (GRCh38, 1-based): chr18:46,610,914, C>G on the plus strand (G>C on the coding strand, the complement: LOXHD1 is on the minus strand). VCF-style: chr18-46610914-C-G. GRCh37 (hg19) VCF-style: chr18-44190877-C-G.
Other names: c.621G>C, p.Arg207Ser (NM_144612.7); short protein forms R207S.
Identifiers: ClinVar variation 517305 (VCV000517305.4), dbSNP rs200328459, ClinGen allele CA402387606.